The following is an entry in ClinVar:

NM_000258.3(MYL3):c.477G>A (p.Thr159=)

Gene: MYL3 (myosin light chain 3; minus strand). Cytogenetic location: 3p21.31.
Variant type: single nucleotide variant.
Coding change: c.477G>A on transcript NM_000258.3 (MANE Select); coding-DNA position 477, G replaced by A.
Protein change: p.Thr159=; no amino-acid change (threonine 159 retained).
Molecular consequence: synonymous variant.
Genome position (GRCh38, 1-based): chr3:46,859,479, C>T on the plus strand (G>A on the coding strand, the complement: MYL3 is on the minus strand). VCF-style: chr3-46859479-C-T. GRCh37 (hg19) VCF-style: chr3-46900969-C-T.
Identifiers: ClinVar variation 263711 (VCV000263711.20), dbSNP rs148365503, ClinGen allele CA044278.

ClinVar aggregate classification (germline): Likely benign. Review status: criteria provided, multiple submitters, no conflicts (2 of 4 stars). 6 submissions from 6 submitters: Likely benign (5). 1 of the submissions does not count toward it. Last evaluated 2026-01-20.

Conditions:
Cardiomyopathy (CMYO). Also called: Cardiomyopathies. Identifiers: Orphanet 167848, MedGen C0878544, MONDO:0004994, HP:0001638. Inheritance: Various modes of inheritance.
MYL3-related disorder. Also called: MYL3-related condition.
Cardiovascular phenotype. Identifiers: MedGen CN230736.
Hypertrophic cardiomyopathy. Also called: HYPERTROPHIC MYOCARDIOPATHY. Identifiers: Orphanet 217569, MedGen C0007194, MeSH D002312, MONDO:0005045, HP:0001639.

Allele frequency attached by ClinVar (database versions not stated): TOPMed 0.00002; gnomAD 0.00003; 1000 Genomes Project 30x 0.00016.
gnomAD v4.1: 46 of 1,614,158 alleles (0.0028%); highest among the groups gnomAD compares: Middle Eastern, 0.017%; no homozygotes.

Submissions (6):

Labcorp Genetics (formerly Invitae), Labcorp
Classification: Likely benign for Hypertrophic cardiomyopathy. Last evaluated: 2026-01-20. Review status: criteria provided, single submitter. Criteria: Invitae Variant Classification Sherloc (09022015). Collection method: clinical testing. Allele origin: germline.

Ambry Genetics
Classification: Likely benign for Cardiovascular phenotype. Last evaluated: 2024-08-14. Review status: criteria provided, single submitter. Criteria: Ambry Variant Classification Scheme 2023. Collection method: clinical testing. Allele origin: germline.

All of Us Research Program, National Institutes of Health
Classification: Likely benign for Hypertrophic cardiomyopathy. Last evaluated: 2023-12-18. Review status: criteria provided, single submitter. Criteria: ACMG Guidelines, 2015. Collection method: clinical testing. Allele origin: germline. Inheritance: Autosomal dominant inheritance. Observed: 11 variant alleles, 11 heterozygotes.
Comment: This study involves interpretation of variants in research participants for the purpose of population health screening. Participant phenotype was not available at the time of variant classification. Additional details can be found in publication PMID: 35346344, PMCID: PMC8962531

GeneDx
Classification: Likely benign. Last evaluated: 2020-06-01. Review status: criteria provided, single submitter. Criteria: GeneDx Variant Classification Process June 2021. Collection method: clinical testing. Allele origin: germline. Affected: yes.

Color Diagnostics, LLC DBA Color Health
Classification: Likely benign for Cardiomyopathy. Last evaluated: 2018-11-25. Review status: criteria provided, single submitter. Criteria: ACMG Guidelines, 2015. Collection method: clinical testing. Allele origin: germline.

PreventionGenetics, part of Exact Sciences
Classification: Likely benign for MYL3-related condition. Last evaluated: 2020-08-13. Review status: no assertion criteria provided. Collection method: clinical testing. Allele origin: germline. Not counted in ClinVar's aggregate classification.
Comment: This variant is classified as likely benign based on ACMG/AMP sequence variant interpretation guidelines (Richards et al. 2015 PMID: 25741868, with internal and published modifications).